The following is an entry in ClinVar:

ClinVar aggregate classification (germline): Uncertain significance. Review status: criteria provided, multiple submitters, no conflicts (2 of 4 stars). 2 submissions from 2 submitters: Uncertain significance (2). Last evaluated 2025-06-17.

Conditions:
Inborn genetic diseases. Identifiers: MedGen C0950123, MeSH D030342.

Allele frequency attached by ClinVar (database versions not stated): ExAC 0.00002; gnomAD exomes 0.00003; gnomAD 0.00005 and 0.00006; TOPMed 0.00010.
gnomAD v4.1: 30 of 1,613,912 alleles (0.0019%); highest among the groups gnomAD compares: Middle Eastern, 0.016%; no homozygotes.

Submissions (2):

Ambry Genetics
Classification: Uncertain significance for Inborn genetic diseases. Last evaluated: 2025-06-17. Review status: criteria provided, single submitter. Criteria: Ambry Variant Classification Scheme 2023. Collection method: clinical testing. Allele origin: germline.

Labcorp Genetics (formerly Invitae), Labcorp
Classification: Uncertain significance. Last evaluated: 2022-06-13. Review status: criteria provided, single submitter. Criteria: Invitae Variant Classification Sherloc (09022015). Collection method: clinical testing. Allele origin: germline.
Comment: In summary, the available evidence is currently insufficient to determine the role of this variant in disease. Therefore, it has been classified as a Variant of Uncertain Significance. Algorithms developed to predict the effect of missense changes on protein structure and function output the following: SIFT: "Tolerated"; PolyPhen-2: "Benign"; Align-GVGD: "Class C0". The valine amino acid residue is found in multiple mammalian species, which suggests that this missense change does not adversely affect protein function. This variant has not been reported in the literature in individuals affected with DYM-related conditions. This variant is present in population databases (rs753827775, gnomAD 0.01%). This sequence change replaces alanine, which is neutral and non-polar, with valine, which is neutral and non-polar, at codon 270 of the DYM protein (p.Ala270Val).

NM_001353214.3(DYM):c.809C>T (p.Ala270Val)

Gene: DYM (dymeclin; minus strand). Cytogenetic location: 18q21.1.
Variant type: single nucleotide variant.
Coding change: c.809C>T on transcript NM_001353214.3 (MANE Select); coding-DNA position 809, C replaced by T.
Protein change: p.Ala270Val; replaces alanine 270 with valine.
Molecular consequence: missense variant. On other transcripts: intron variant (1).
Genome position (GRCh38, 1-based): chr18:49,286,571, G>A on the plus strand (C>T on the coding strand, the complement: DYM is on the minus strand). VCF-style: chr18-49286571-G-A. GRCh37 (hg19) VCF-style: chr18-46812941-G-A.
Other names: c.806C>T, p.Ala269Val (NM_001353210.3, NM_001353211.3, NM_001353212.3 and 3 more transcripts); c.809C>T, p.Ala270Val (NM_001353215.3, NM_001353216.3, NM_001374428.1 and 5 more transcripts); c.803C>T, p.Ala268Val (NM_001374429.1, NM_001374439.1); c.683C>T, p.Ala228Val (NM_001374432.1, NM_001374436.1); c.581C>T, p.Ala194Val (NM_001374440.1); c.239C>T, p.Ala80Val (NM_001374441.1, NM_001374442.1, NM_001374444.1); c.236C>T, p.Ala79Val (NM_001374443.1); c.764-4396C>T (NM_001374437.1); and 1 more; short protein forms A80V, A194V, A268V, A269V, A228V, A270V, A79V.
Identifiers: ClinVar variation 1443255 (VCV001443255.9), dbSNP rs753827775, ClinGen allele CA8958241.